The following is an entry in ClinVar:

NM_000062.3(SERPING1):c.461A>G (p.Tyr154Cys)

Gene: SERPING1 (serpin family G member 1; plus strand). Cytogenetic location: 11q12.1.
Variant type: single nucleotide variant.
Coding change: c.461A>G on transcript NM_000062.3 (MANE Select); coding-DNA position 461, A replaced by G.
Protein change: p.Tyr154Cys; replaces tyrosine 154 with cysteine.
Molecular consequence: missense variant.
Genome position (GRCh38, 1-based): chr11:57,600,288, A>G. VCF-style: chr11-57600288-A-G. GRCh37 (hg19) VCF-style: chr11-57367761-A-G.
Other names: c.461A>G, p.Tyr154Cys (NM_001032295.2); short protein forms Y154C.
Identifiers: ClinVar variation 68251 (VCV000068251.4), dbSNP rs281875168, ClinGen allele CA219263.
Genomic context (GRCh38, chr11:57,600,288, plus strand): 5'-AGAGTCATTCAACAGAGGCCGTGTTGGGGGATGCTTTGGTAGATTTCTCCCTGAAGCTCT[A>G]CCACGCCTTCTCAGCAATGAAGAAGGTGGAGACCAACATGGCCTTTTCCCCATTCAGCAT-3'
Protein context (NP_000053.2, residues 144-164): DALVDFSLKL[Tyr154Cys]HAFSAMKKVE

ClinVar aggregate classification (germline): Pathogenic. Review status: criteria provided, single submitter (1 of 4 stars). 2 submissions from 2 submitters: Pathogenic (1). 1 of the submissions does not count toward it. Last evaluated 2024-07-07.

Conditions:
Hereditary angioedema type 1 (HAE1). Identifiers: Orphanet 100050, Orphanet 100051, Orphanet 91378, MedGen C2717906, MONDO:0015053, OMIM 106100.

Submissions (2):

DNA-diagnostics Laboratory, Research Centre For Medical Genetics
Classification: Pathogenic for Hereditary angioedema type 1. Last evaluated: 2024-07-07. Review status: criteria provided, single submitter. Criteria: ACMG Guidelines, 2015. Collection method: research. Allele origin: germline. Inheritance: Autosomal dominant inheritance. Affected: yes. Observed: 1 heterozygote.
Comment: According to our observation and published information (López-Lera et all, 2011 and Xu et al., 2012) the c.461A>G variant in SERPING1 meets ACMG/ClinGen SVI guidance criteria to be classified as pathogenic: PP3_Mod, PS4_Mod, PP4_Mod, PM2_Sup, PP2

UniProtKB/Swiss-Prot
No classification provided. Review status: no classification provided. Collection method: not provided. Allele origin: not provided. Not counted in ClinVar's aggregate classification.

Literature cited by the submitters: DOI 10.1016/j.molimm.2011.07.010 (cited by DNA-diagnostics Laboratory, Research Centre For Medical Genetics); DOI 10.1111/all.12024 (cited by DNA-diagnostics Laboratory, Research Centre For Medical Genetics).